The following is an entry in ClinVar:

NM_015178.3(RHOBTB2):c.494C>A (p.Pro165His)

Gene: RHOBTB2 (Rho related BTB domain containing 2; plus strand). Cytogenetic location: 8p21.3.
Variant type: single nucleotide variant.
Coding change: c.494C>A on transcript NM_015178.3 (MANE Select); coding-DNA position 494, C replaced by A.
Protein change: p.Pro165His; replaces proline 165 with histidine.
Molecular consequence: missense variant.
Genome position (GRCh38, 1-based): chr8:23,006,739, C>A. VCF-style: chr8-23006739-C-A. GRCh37 (hg19) VCF-style: chr8-22864252-C-A.
Other names: c.560C>A, p.Pro187His (NM_001160036.2); c.515C>A, p.Pro172His (NM_001160037.2); c.494C>A, p.Pro165His (NM_001374791.1); short protein forms P165H, P172H, P187H.
Identifiers: ClinVar variation 2585146 (VCV002585146.1), dbSNP rs2487006277, ClinGen allele CA370563480.

ClinVar aggregate classification (germline): Uncertain significance (1 of 4 stars; one submission).

Conditions:
Developmental and epileptic encephalopathy, 64. Also called: EPILEPTIC ENCEPHALOPATHY, EARLY INFANTILE, 64. Identifiers: MedGen C4693899, MONDO:0033373, OMIM 618004.

Submission:

Neuberg Centre For Genomic Medicine, NCGM
Classification: Uncertain significance for Developmental and epileptic encephalopathy, 64. Review status: criteria provided, single submitter. Criteria: ACMG Guidelines, 2015. Collection method: clinical testing. Allele origin: germline. Inheritance: Autosomal dominant inheritance. Affected: yes.
Comment: The missense c.494C>A(p.Pro165His) variant in RHOBTB2 gene has not been reported previously as a pathogenic variant nor as a benign variant, to our knowledge. The variant is novel (not in any individuals) in gnomAD Exomes and 1000 Genomes. The amino acid Pro at position 165 is changed to a His changing protein sequence and it might alter its composition and physico-chemical properties. The amino acid change p.Pro165His in RHOBTB2 is predicted as conserved by GERP++ and PhyloP across 100 vertebrates. For these reasons, this variant has been classified as Uncertain Significance.